The following is an entry in ClinVar:

ClinVar aggregate classification (germline): Pathogenic (1 of 4 stars; one submission).

Conditions:
Severe myoclonic epilepsy in infancy (DRVT). Also called: Epileptic encephalopathy, early infantile, 6 (Dravet syndrome); SEVERE MYOCLONIC EPILEPSY OF INFANCY; DEVELOPMENTAL AND EPILEPTIC ENCEPHALOPATHY 6A; Severe Myoclonic Epilepsy in Infancy (SMEI); Dravet syndrome. Identifiers: Orphanet 33069, MedGen C0751122, MONDO:0100135, OMIM 607208.

Submission:

Center for Bioinformatics, Peking University
Classification: Pathogenic for Dravet syndrome. Last evaluated: 2014-12-20. Review status: criteria provided, single submitter. Criteria: Xu et al. (Hum Mutat. 2015). Collection method: research. Allele origin: de novo. Affected: yes. Observed: 1 variant allele. Study: University Clinical Cooperation “985 Project” PKU-2014-1-1.
Comment: Dravet syndrome (DS) probands were recruited from the outpatient and inpatient child neurology units of Peking University First Hospital from 2005 till present. The study was approved by the Ethics Committee of Peking University First Hospital and the Institutional Review Board at Peking University. Participants or their parents provided written informed consent before enrollment. We collected a total of 267 mutations from 255 families with probands diagnosed with DS in China. All probands fulfilled the clinical diagnostic criteria.

NM_001165963.4(SCN1A):c.3828T>A (p.Tyr1276Ter)

Genes: SCN1A (sodium voltage-gated channel alpha subunit 1; minus strand), LOC102724058 (uncharacterized LOC102724058; plus strand). Cytogenetic location: 2q24.3.
Variant type: single nucleotide variant.
Coding change: c.3828T>A on transcript NM_001165963.4 (MANE Select); coding-DNA position 3828, T replaced by A.
Protein change: p.Tyr1276Ter; replaces tyrosine 1276 with a stop codon.
Molecular consequence: nonsense. On other transcripts: non-coding transcript variant (1).
Genome position (GRCh38, 1-based): chr2:166,012,160, A>T on the plus strand (T>A on the coding strand, the complement: SCN1A is on the minus strand). VCF-style: chr2-166012160-A-T. GRCh37 (hg19) VCF-style: chr2-166868670-A-T.
Other names: c.3744T>A, p.Tyr1248Ter (NM_001165964.3, NM_001353957.2, NM_001353958.2); c.3828T>A, p.Tyr1276Ter (NM_001202435.3, NM_001353948.2); c.3795T>A, p.Tyr1265Ter (NM_001353949.2, NM_001353950.2, NM_001353951.2 and 2 more transcripts); c.3792T>A, p.Tyr1264Ter (NM_001353954.2, NM_001353955.2); c.3741T>A, p.Tyr1247Ter (NM_001353960.2); c.1386T>A, p.Tyr462Ter (NM_001353961.2); short protein forms Y1265*, Y1276*, Y1247*, Y1264*, Y1248*, Y462*.
Identifiers: ClinVar variation 189887 (VCV000189887.1), dbSNP rs794726731, ClinGen allele CA303210.